The following is an entry in ClinVar:

NM_024577.4(SH3TC2):c.*22357T>C

Gene: SH3TC2 (SH3 domain and tetratricopeptide repeats 2; minus strand). Cytogenetic location: 5q32.
Variant type: single nucleotide variant.
Coding change: c.*22357T>C on transcript NM_024577.4 (MANE Select); 22357 bases downstream of the stop codon, T replaced by C.
Molecular consequence: 3 prime UTR variant.
Genome position (GRCh38, 1-based): chr5:148,982,354, A>G on the plus strand (T>C on the coding strand, the complement: SH3TC2 is on the minus strand). VCF-style: chr5-148982354-A-G. GRCh37 (hg19) VCF-style: chr5-148361917-A-G.
Identifiers: ClinVar variation 351565 (VCV000351565.5), dbSNP rs191754280, ClinGen allele CA10619380.

ClinVar aggregate classification (germline): Likely benign. Review status: criteria provided, single submitter (1 of 4 stars). 2 submissions from 1 submitter: Likely benign (2). Last evaluated 2018-01-13.

Conditions:
Susceptibility to mononeuropathy of the median nerve, mild. Also called: CARPAL TUNNEL SYNDROME, SUSCEPTIBILITY TO. Identifiers: MedGen C3150596, MONDO:0013237, OMIM 613353.
Charcot-Marie-Tooth disease type 4C (CMT4C). Also called: CHARCOT-MARIE-TOOTH DISEASE, DEMYELINATING, AUTOSOMAL RECESSIVE, TYPE 4C; CMT 4C; Charcot-Marie-Tooth Neuropathy Type 4C (CMT4C); CHARCOT-MARIE-TOOTH DISEASE, DEMYELINATING, TYPE 4C; SH3TC2-Related Hereditary Motor and Sensory Neuropathy. Identifiers: Orphanet 99949, MedGen C1866636, MONDO:0011113, OMIM 601596.

Allele frequency attached by ClinVar (database versions not stated): 1000 Genomes Project 0.00080; 1000 Genomes Project 30x 0.00094; gnomAD 0.00157 and 0.00158; TOPMed 0.00168.
gnomAD v4.1: 236 of 152,336 alleles (0.15%); highest among the groups gnomAD compares: Non-Finnish European, 0.27%; no homozygotes.

Submissions (2):

Illumina Laboratory Services, Illumina
Classification: Likely benign for Charcot-Marie-Tooth disease type 4C. Last evaluated: 2018-01-13. Review status: criteria provided, single submitter. Criteria: ICSL Variant Classification Criteria 13 December 2019. Collection method: clinical testing. Allele origin: germline.
Comment: This variant was observed in the ICSL laboratory as part of a predisposition screen in an ostensibly healthy population. It had not been previously curated by ICSL or reported in the Human Gene Mutation Database (HGMD: prior to June 1st, 2018), and was therefore a candidate for classification through an automated scoring system. Utilizing variant allele frequency, disease prevalence and penetrance estimates, and inheritance mode, an automated score was calculated to assess if this variant is too frequent to cause the disease. Based on the score and internal cut-off values, a variant classified as likely benign is not then subjected to further curation. The score for this variant resulted in a classification of likely benign for this disease.

Illumina Laboratory Services, Illumina
Classification: Likely benign for Susceptibility to mononeuropathy of the median nerve, mild. Last evaluated: 2018-01-13. Review status: criteria provided, single submitter. Criteria: ICSL Variant Classification Criteria 13 December 2019. Collection method: clinical testing. Allele origin: germline.
Comment: the same text as in the submission from Illumina Laboratory Services, Illumina above.